The following is an entry in ClinVar:

NM_020338.4(ZMIZ1):c.2749G>C (p.Gly917Arg)

Gene: ZMIZ1 (zinc finger MIZ-type containing 1; plus strand). Cytogenetic location: 10q22.3.
Variant type: single nucleotide variant.
Coding change: c.2749G>C on transcript NM_020338.4 (MANE Select); coding-DNA position 2749, G replaced by C.
Protein change: p.Gly917Arg; replaces glycine 917 with arginine.
Molecular consequence: missense variant.
Genome position (GRCh38, 1-based): chr10:79,307,485, G>C. VCF-style: chr10-79307485-G-C. GRCh37 (hg19) VCF-style: chr10-81067242-G-C.
Other names: c.2749G>C (NM_020338.3); short protein forms G917R.
Identifiers: ClinVar variation 1696603 (VCV001696603.8), dbSNP rs200162208, ClinGen allele CA5573104.

ClinVar aggregate classification (germline): Uncertain significance. Review status: criteria provided, multiple submitters, no conflicts (2 of 4 stars). 3 submissions from 3 submitters: Uncertain significance (3). Last evaluated 2023-06-01.

Conditions:
Neurodevelopmental disorder with dysmorphic facies and distal skeletal anomalies. Identifiers: MedGen C5231448, MONDO:0032855, OMIM 618659.
Inborn genetic diseases. Identifiers: MedGen C0950123, MeSH D030342.

Allele frequency attached by ClinVar (database versions not stated): ExAC 0.00002; TOPMed 0.00002; 1000 Genomes Project 30x 0.00016; 1000 Genomes Project 0.00020.
gnomAD v4.1: 48 of 1,608,704 alleles (0.003%); highest among the groups gnomAD compares: Non-Finnish European, 0.0041%; no homozygotes.

Submissions (3):

Ambry Genetics
Classification: Uncertain significance for Inborn genetic diseases. Last evaluated: 2023-06-01. Review status: criteria provided, single submitter. Criteria: Ambry Variant Classification Scheme 2023. Collection method: clinical testing. Allele origin: germline.

Labcorp Genetics (formerly Invitae), Labcorp
Classification: Uncertain significance. Last evaluated: 2022-08-09. Review status: criteria provided, single submitter. Criteria: Invitae Variant Classification Sherloc (09022015). Collection method: clinical testing. Allele origin: germline.
Comment: This sequence change replaces glycine, which is neutral and non-polar, with arginine, which is basic and polar, at codon 917 of the ZMIZ1 protein (p.Gly917Arg). In summary, the available evidence is currently insufficient to determine the role of this variant in disease. Therefore, it has been classified as a Variant of Uncertain Significance. Algorithms developed to predict the effect of missense changes on protein structure and function (SIFT, PolyPhen-2, Align-GVGD) all suggest that this variant is likely to be disruptive. ClinVar contains an entry for this variant (Variation ID: 1696603). This variant has not been reported in the literature in individuals affected with ZMIZ1-related conditions. This variant is present in population databases (rs200162208, gnomAD 0.004%).

New York Genome Center
Classification: Uncertain significance for Neurodevelopmental disorder with dysmorphic facies and distal skeletal anomalies. Last evaluated: 2021-07-23. Review status: criteria provided, single submitter. Criteria: NYGC Assertion Criteria 2020. Collection method: clinical testing. Allele origin: inherited. Observed: 1 heterozygote. Study: CSER-NYCKidSeq.